The following is an entry in ClinVar:

ClinVar aggregate classification (germline): Uncertain significance. Review status: criteria provided, multiple submitters, no conflicts (2 of 4 stars). 2 submissions from 2 submitters: Uncertain significance (2). Last evaluated 2024-12-15.

Conditions:
Inborn genetic diseases. Identifiers: MedGen C0950123, MeSH D030342.
Epidermolysis bullosa simplex 5B, with muscular dystrophy (EBS5B). Also called: Epidermolysis bullosa simplex with muscular dystrophy; EPIDERMOLYSIS BULLOSA SIMPLEX AND LIMB-GIRDLE MUSCULAR DYSTROPHY. Identifiers: Orphanet 257, MedGen C2931072, MONDO:0009181, OMIM 226670.
Epidermolysis bullosa simplex 5C, with pyloric atresia (EBS5C). Also called: Epidermolysis bullosa simplex with pyloric atresia; PLEC-Related Epidermolysis Bullosa with Pyloric Atresia; PLEC1-Related Epidermolysis Bullosa with Pyloric Atresia. Identifiers: Orphanet 158684, MedGen C2677349, MONDO:0012807, OMIM 612138.
Epidermolysis bullosa simplex, Ogna type (EBS5A). Also called: Pidermolysis bullosa simplex 5A, Ogna type; EPIDERMOLYSIS BULLOSA SIMPLEX 5A, OGNA TYPE. Identifiers: Orphanet 79401, MedGen C0432317, MONDO:0007555, OMIM 131950.
Autosomal recessive limb-girdle muscular dystrophy type 2Q (LGMDR17). Also called: MUSCULAR DYSTROPHY, LIMB-GIRDLE, AUTOSOMAL RECESSIVE 17. Identifiers: Orphanet 254361, MedGen C3150989, MONDO:0013390, OMIM 613723.
Epidermolysis bullosa simplex with nail dystrophy (EBS5D). Identifiers: MedGen C4225309, MONDO:0014661, OMIM 616487.

Allele frequency attached by ClinVar (database versions not stated): gnomAD exomes below 0.00001; ExAC 0.00001.
gnomAD v4.1: 2 of 1,611,746 alleles (0.00012%); highest among the groups gnomAD compares: South Asian, 0.0011%; no homozygotes.

Submissions (2):

Ambry Genetics
Classification: Uncertain significance for Inborn genetic diseases. Last evaluated: 2024-12-15. Review status: criteria provided, single submitter. Criteria: Ambry Variant Classification Scheme 2023. Collection method: clinical testing. Allele origin: germline.

Labcorp Genetics (formerly Invitae), Labcorp
Classification: Uncertain significance for Autosomal recessive limb-girdle muscular dystrophy type 2Q; Epidermolysis bullosa simplex, Ogna type; Epidermolysis bullosa simplex with nail dystrophy; Epidermolysis bullosa simplex 5C, with pyloric atresia; Epidermolysis bullosa simplex 5B, with muscular dystrophy. Last evaluated: 2023-08-24. Review status: criteria provided, single submitter. Criteria: Invitae Variant Classification Sherloc (09022015). Collection method: clinical testing. Allele origin: germline.
Comment: In summary, the available evidence is currently insufficient to determine the role of this variant in disease. Therefore, it has been classified as a Variant of Uncertain Significance. Algorithms developed to predict the effect of missense changes on protein structure and function output the following: SIFT: "Not Available"; PolyPhen-2: "Not Available"; Align-GVGD: "Not Available". The valine amino acid residue is found in multiple mammalian species, which suggests that this missense change does not adversely affect protein function. ClinVar contains an entry for this variant (Variation ID: 1052416). This variant has not been reported in the literature in individuals affected with PLEC-related conditions. This sequence change replaces isoleucine, which is neutral and non-polar, with valine, which is neutral and non-polar, at codon 424 of the PLEC protein (p.Ile424Val). This variant is present in population databases (rs781822034, gnomAD 0.003%).

NM_201384.3(PLEC):c.1189A>G (p.Ile397Val)

Gene: PLEC (plectin; minus strand). Cytogenetic location: 8q24.3.
Variant type: single nucleotide variant.
Coding change: c.1189A>G on transcript NM_201384.3 (MANE Select); coding-DNA position 1189, A replaced by G.
Protein change: p.Ile397Val; replaces isoleucine 397 with valine.
Molecular consequence: missense variant.
Genome position (GRCh38, 1-based): chr8:143,934,072, T>C on the plus strand (A>G on the coding strand, the complement: PLEC is on the minus strand). VCF-style: chr8-143934072-T-C. GRCh37 (hg19) VCF-style: chr8-145008240-T-C.
Other names: c.1270A>G (NM_000445.3); c.1093A>G, p.Ile365Val (NM_201381.3); c.1189A>G, p.Ile397Val (NM_201382.4); c.1201A>G, p.Ile401Val (NM_201383.3); c.1270A>G, p.Ile424Val (NM_000445.5); c.1147A>G, p.Ile383Val (NM_201378.4); c.1123A>G, p.Ile375Val (NM_201379.3); c.1600A>G, p.Ile534Val (NM_201380.4); short protein forms I365V, I375V, I383V, I397V, I401V, I424V, I534V.
Identifiers: ClinVar variation 1052416 (VCV001052416.6), dbSNP rs781822034, ClinGen allele CA4928108.